The following is an entry in ClinVar:

NM_020937.4(FANCM):c.1046T>C (p.Ile349Thr)

Gene: FANCM (FA complementation group M; plus strand). Cytogenetic location: 14q21.2.
Variant type: single nucleotide variant.
Coding change: c.1046T>C on transcript NM_020937.4 (MANE Select); coding-DNA position 1046, T replaced by C.
Protein change: p.Ile349Thr; replaces isoleucine 349 with threonine.
Molecular consequence: missense variant.
Genome position (GRCh38, 1-based): chr14:45,151,524, T>C. VCF-style: chr14-45151524-T-C. GRCh37 (hg19) VCF-style: chr14-45620727-T-C.
Other names: c.968T>C, p.Ile323Thr (NM_001308133.2); c.1046T>C, p.Ile349Thr (NM_001308134.2); short protein forms I323T, I349T.
Identifiers: ClinVar variation 938619 (VCV000938619.18), dbSNP rs150185654, ClinGen allele CA7168914.

ClinVar aggregate classification (germline): Uncertain significance. Review status: criteria provided, multiple submitters, no conflicts (2 of 4 stars). 5 submissions from 5 submitters: Uncertain significance (5). Last evaluated 2026-01-26.

Conditions:
Fanconi anemia (FA). Also called: Fanconi's anemia. Identifiers: Orphanet 84, MedGen C0015625, MeSH D005199, MONDO:0019391.
Spermatogenic failure 28. Identifiers: MedGen C4748117, MONDO:0054732, OMIM 618086.
Premature ovarian failure 15. Identifiers: MedGen C4748170, MONDO:0054862, OMIM 618096.

Allele frequency attached by ClinVar (database versions not stated): gnomAD 0.00002; gnomAD exomes 0.00004; TOPMed 0.00009; 1000 Genomes Project 30x 0.00016.
gnomAD v4.1: 61 of 1,611,176 alleles (0.0038%); highest among the groups gnomAD compares: Admixed American, 0.098%; no homozygotes.

Submissions (5):

Labcorp Genetics (formerly Invitae), Labcorp
Classification: Uncertain significance for Fanconi anemia. Last evaluated: 2026-01-26. Review status: criteria provided, single submitter. Criteria: Invitae Variant Classification Sherloc (09022015). Collection method: clinical testing. Allele origin: germline.
Comment: This sequence change replaces isoleucine, which is neutral and non-polar, with threonine, which is neutral and polar, at codon 349 of the FANCM protein (p.Ile349Thr). This variant is present in population databases (rs150185654, gnomAD 0.2%). This variant has not been reported in the literature in individuals affected with FANCM-related conditions. ClinVar contains an entry for this variant (Variation ID: 938619). An algorithm developed to predict the effect of missense changes on protein structure and function outputs the following: PolyPhen-2: "Benign". The threonine amino acid residue is found in multiple mammalian species, which suggests that this missense change does not adversely affect protein function. In summary, the available evidence is currently insufficient to determine the role of this variant in disease. Therefore, it has been classified as a Variant of Uncertain Significance.

Quest Diagnostics Nichols Institute San Juan Capistrano
Classification: Uncertain significance. Last evaluated: 2024-11-26. Review status: criteria provided, single submitter. Criteria: Quest Diagnostics criteria. Collection method: clinical testing. Allele origin: unknown.
Comment: The FANCM c.1046T>C (p.Ile349Thr) variant has not been reported in individuals with FANCM-related conditions in the published literature. The frequency of this variant in the general population, 0.0016 (54/34548 chromosomes in Admixed American subpopulation (Genome Aggregation Database)), is higher than would generally be expected for pathogenic variants in this gene. Analysis of this variant using bioinformatics tools for the prediction of the effect of amino acid changes on protein structure and function yielded predictions that this variant is benign. Based on the available information, we are unable to determine the clinical significance of this variant.

GeneDx
Classification: Uncertain significance. Last evaluated: 2024-10-20. Review status: criteria provided, single submitter. Criteria: GeneDx Variant Classification Process June 2021. Collection method: clinical testing. Allele origin: germline. Affected: yes.
Comment: In silico analysis supports that this missense variant has a deleterious effect on protein structure/function; Observed in a childhood patient with acute lymphoblastic leukemia (PMID: 38093606); This variant is associated with the following publications: (PMID: 38093606)

Fulgent Genetics
Classification: Uncertain significance for Spermatogenic failure 28; Premature ovarian failure 15. Last evaluated: 2024-06-22. Review status: criteria provided, single submitter. Criteria: ACMG Guidelines, 2015. Collection method: clinical testing. Allele origin: germline.

Baylor Genetics
Classification: Uncertain significance for Spermatogenic failure 28. Last evaluated: 2020-12-01. Review status: criteria provided, single submitter. Criteria: ACMG Guidelines, 2015. Collection method: clinical testing. Allele origin: unknown. Affected: yes. Study: CSER-TexasKidsCanSeq.
Comment: This variant was determined to be of uncertain significance according to ACMG Guidelines, 2015 [PMID:25741868].